The following is an entry in ClinVar:

NM_003396.3(WNT9B):c.135G>C (p.Pro45=)

Genes: LRRC37A2 (leucine rich repeat containing 37 member A2), WNT9B (Wnt family member 9B; plus strand). Cytogenetic location: 17q21.32.
Variant type: single nucleotide variant.
Coding change: c.135G>C on transcript NM_003396.3 (MANE Select); coding-DNA position 135, G replaced by C.
Protein change: p.Pro45=; no amino-acid change (proline 45 retained).
Molecular consequence: synonymous variant.
Genome position (GRCh38, 1-based): chr17:46,872,574, G>C. VCF-style: chr17-46872574-G-C. GRCh37 (hg19) VCF-style: chr17-44949940-G-C.
Other names: c.135G>C, p.Pro45= (NM_001320458.2).
Identifiers: ClinVar variation 3045723 (VCV003045723.2), dbSNP rs372193837, ClinGen allele CA291202569.

ClinVar aggregate classification (germline): Likely benign (0 of 4 stars; one submission).

Conditions:
WNT9B-related disorder. Also called: WNT9B-related condition.

gnomAD v4.1: 41 of 1,599,990 alleles (0.0026%); highest among the groups gnomAD compares: Non-Finnish European, 0.0032%; no homozygotes.

Submission:

PreventionGenetics, part of Exact Sciences
Classification: Likely benign for WNT9B-related condition. Last evaluated: 2019-10-28. Review status: no assertion criteria provided. Collection method: clinical testing. Allele origin: germline.
Comment: This variant is classified as likely benign based on ACMG/AMP sequence variant interpretation guidelines (Richards et al. 2015 PMID: 25741868, with internal and published modifications).